The following is an entry in ClinVar:

ClinVar aggregate classification (germline): Benign/Likely benign. Review status: criteria provided, multiple submitters, no conflicts (2 of 4 stars). 7 submissions from 7 submitters: Benign (2); Likely benign (2). 3 of the submissions do not count toward it. Last evaluated 2025-02-16.

Conditions:
Dentatorubral-pallidoluysian atrophy (DRPLA). Also called: Naito Oyanagi disease; HAW RIVER SYNDROME; MYOCLONIC EPILEPSY WITH CHOREOATHETOSIS; ATAXIA, CHOREA, SEIZURES, AND DEMENTIA. Identifiers: Orphanet 101, MedGen C0751781, MONDO:0007435, OMIM 125370.
Congenital hypotonia, epilepsy, developmental delay, and digital anomalies (CHEDDA). Also called: ATN1-Related Neurodevelopmental Disorder. Identifiers: MedGen C5193125, MONDO:0032781, OMIM 618494.
ATN1-related disorder. Also called: ATN1-related condition; ATN1-related disorders.

Submissions (7):

Laboratory of Genetics, Children's Clinical University Hospital Latvia
Classification: Benign. Last evaluated: 2025-02-16. Review status: criteria provided, single submitter. Criteria: ACMG Guidelines, 2015. Collection method: clinical testing. Allele origin: germline. Affected: yes.

Blueprint Genetics
Classification: Likely benign. Last evaluated: 2024-11-27. Review status: criteria provided, single submitter. Criteria: ACMG Guidelines, 2015. Collection method: clinical testing. Allele origin: germline.

Mayo Clinic Laboratories, Mayo Clinic
Classification: Benign. Last evaluated: 2022-10-07. Review status: criteria provided, single submitter. Criteria: ACMG Guidelines, 2015. Collection method: clinical testing. Allele origin: germline. Observed: 14 variant alleles.
Comment: BS1, BS2

Fulgent Genetics
Classification: Likely benign for Dentatorubral-pallidoluysian atrophy; Congenital hypotonia, epilepsy, developmental delay, and digital anomalies. Last evaluated: 2021-09-07. Review status: criteria provided, single submitter. Criteria: ACMG Guidelines, 2015. Collection method: clinical testing. Allele origin: unknown.

PreventionGenetics, part of Exact Sciences
Classification: Likely benign for ATN1-related condition. Last evaluated: 2022-02-07. Review status: no assertion criteria provided. Collection method: clinical testing. Allele origin: germline. Not counted in ClinVar's aggregate classification.
Comment: This variant is classified as likely benign based on ACMG/AMP sequence variant interpretation guidelines (Richards et al. 2015 PMID: 25741868, with internal and published modifications).

Diagnostic Laboratory, Department of Genetics, University Medical Center Groningen
Classification: Likely benign. Review status: no assertion criteria provided. Collection method: clinical testing. Allele origin: germline. Affected: yes. Study: VKGL Data-share Consensus. Not counted in ClinVar's aggregate classification.

Genome Diagnostics Laboratory, University Medical Center Utrecht
Classification: Benign. Review status: no assertion criteria provided. Collection method: clinical testing. Allele origin: germline. Affected: yes. Study: VKGL Data-share Consensus. Not counted in ClinVar's aggregate classification.

Literature cited by the submitters: PubMed 29551253 (cited by Mayo Clinic Laboratories, Mayo Clinic); PubMed 31130284 (cited by Mayo Clinic Laboratories, Mayo Clinic).

NM_001940.4(ATN1):c.1464GCA[14] (p.Gln502del)

Genes: ATN1 (atrophin 1; plus strand), LOC109461484 (atrophin 1 repeat instability region; plus strand). Cytogenetic location: 12p13.31.
Variant type: Microsatellite.
Coding change: c.1464GCA[14] on transcript NM_001940.4 (MANE Select); 14 copies in a row of the 3-base unit GCA starting at c.1464; the reference has 15 copies in a row; one copy, 3 bases deleted.
Protein change: p.Gln502del; deletes glutamine 502.
Molecular consequence: inframe deletion.
Genome position (GRCh38, 1-based): chr12:6,936,773-6,936,775, GCA deleted; deleting any 3 consecutive bases within chr12:6,936,729-6,936,775 gives the same sequence; the position shown is the placement nearest the transcript's 3' end. VCF-style (leftmost placement, unchanged base first): chr12-6936728-ACAG-A. GRCh37 (hg19) VCF-style: chr12-7045891-ACAG-A.
Other names: p.Gln502del; c.1506_1508delGCA (NM_001007026.1); c.1464GCA[14], p.Gln502del (NM_001007026.2); c.1506_1508del (NM_001007026.2); short protein forms Q502del.
Identifiers: ClinVar variation 1174682 (VCV001174682.10), dbSNP rs60216939, ClinGen allele CA478518880.
Genomic context (GRCh38, chr12:6,936,728, plus strand): 5'-GGCCCAGTCCACCGCCCACCCACCAGTCTCAACACATCACCATCACCACCAGCAACAGCA[ACAG>A]CAGCAGCAGCAGCAGCAGCAGCAGCAGCAGCAGCAGCAGCAGCATCACGGAAACTCTGGG-3'